The following is an entry in ClinVar:

ClinVar aggregate classification (germline): Uncertain significance (1 of 4 stars; one submission).

Conditions:
Wilson disease (WND). Also called: Wilson's disease. Identifiers: Orphanet 905, MedGen C0019202, MONDO:0010200, OMIM 277900. Disease mechanism: loss of function.

Allele frequency attached by ClinVar (database versions not stated): gnomAD exomes below 0.00001.
gnomAD v4.1: 2 of 1,614,214 alleles (0.00012%); highest among the groups gnomAD compares: Non-Finnish European, 0.00017%; no homozygotes.

Submission:

All of Us Research Program, National Institutes of Health
Classification: Uncertain significance for Wilson disease. Last evaluated: 2023-05-16. Review status: criteria provided, single submitter. Criteria: ACMG Guidelines, 2015. Collection method: clinical testing. Allele origin: germline. Inheritance: Autosomal recessive inheritance. Observed: 1 variant allele, 1 heterozygote.
Comment: This missense variant replaces leucine with arginine at codon 93 of the ATP7B protein. Computational prediction suggests that this variant may have deleterious impact on protein structure and function (internally defined REVEL score threshold >= 0.7, PMID: 27666373). To our knowledge, functional studies have not been reported for this variant. This variant has not been reported in individuals affected with ATP7B-related disorders in the literature. This variant has not been identified in the general population by the Genome Aggregation Database (gnomAD). The available evidence is insufficient to determine the role of this variant in disease conclusively. Therefore, this variant is classified as a Variant of Uncertain Significance.

This study involves interpretation of variants in research participants for the purpose of population health screening. Participant phenotype was not available at the time of variant classification. Additional details can be found in publication PMID: 35346344, PMCID: PMC8962531

NM_000053.4(ATP7B):c.278T>G (p.Leu93Arg)

Gene: ATP7B (ATPase copper transporting beta; minus strand). Cytogenetic location: 13q14.3.
Variant type: single nucleotide variant.
Coding change: c.278T>G on transcript NM_000053.4 (MANE Select); coding-DNA position 278, T replaced by G.
Protein change: p.Leu93Arg; replaces leucine 93 with arginine.
Molecular consequence: missense variant.
Genome position (GRCh38, 1-based): chr13:51,974,942, A>C on the plus strand (T>G on the coding strand, the complement: ATP7B is on the minus strand). VCF-style: chr13-51974942-A-C. GRCh37 (hg19) VCF-style: chr13-52549078-A-C.
Other names: c.278T>G, p.Leu93Arg (NM_001406516.1, NM_001406519.1, NM_001406520.1 and 30 more transcripts); c.182T>G, p.Leu61Arg (NM_001406517.1, NM_001406518.1, NM_001406530.1 and 4 more transcripts); short protein forms L61R, L93R.
Identifiers: ClinVar variation 3071055 (VCV003071055.1), dbSNP rs2547824301, ClinGen allele CA388044665.